The following is an entry in ClinVar:

NM_004369.4(COL6A3):c.6232G>A (p.Val2078Met)

Gene: COL6A3 (collagen type VI alpha 3 chain; minus strand). Cytogenetic location: 2q37.3.
Variant type: single nucleotide variant.
Coding change: c.6232G>A on transcript NM_004369.4 (MANE Select); coding-DNA position 6232, G replaced by A.
Protein change: p.Val2078Met; replaces valine 2078 with methionine.
Molecular consequence: missense variant.
Genome position (GRCh38, 1-based): chr2:237,360,138, C>T on the plus strand (G>A on the coding strand, the complement: COL6A3 is on the minus strand). VCF-style: chr2-237360138-C-T. GRCh37 (hg19) VCF-style: chr2-238268781-C-T.
Other names: c.4411G>A, p.Val1471Met (NM_057166.5); c.5614G>A, p.Val1872Met (NM_057167.4); short protein forms V1471M, V1872M, V2078M.
Identifiers: ClinVar variation 2183966 (VCV002183966.4), dbSNP rs2106342286, ClinGen allele CA351216664.
Genomic context (GRCh38, chr2:237,360,138, plus strand): 5'-CACGCCTCACCTTTACTCCTCTCTGGCCCGGGCAGCCCTGGAAACCTTGAGTGCCGTTCA[C>T]ACCAGGCGGACCACGCTCACCCTGTTGTGAGAGACAAAGGCATTTTGCAAGCTGGAGCCC-3'
Protein context (NP_004360.2, residues 2068-2088): GGPGERGPPG[Val2078Met]NGTQGFQGCP

ClinVar aggregate classification (germline): Uncertain significance (1 of 4 stars; one submission).

Conditions:
Bethlem myopathy 1A. Also called: Bethlem Muscular Dystrophy; MYOPATHY, BENIGN CONGENITAL, WITH CONTRACTURES; Bethlem myopathy 1. Identifiers: Orphanet 610, MedGen CN029274, MONDO:0024530, OMIM 158810.

Submission:

Labcorp Genetics (formerly Invitae), Labcorp
Classification: Uncertain significance for Bethlem myopathy 1A. Last evaluated: 2022-07-13. Review status: criteria provided, single submitter. Criteria: Invitae Variant Classification Sherloc (09022015). Collection method: clinical testing. Allele origin: germline.
Comment: Advanced modeling of protein sequence and biophysical properties (such as structural, functional, and spatial information, amino acid conservation, physicochemical variation, residue mobility, and thermodynamic stability) performed at Invitae indicates that this missense variant is not expected to disrupt COL6A3 protein function. This sequence change replaces valine, which is neutral and non-polar, with methionine, which is neutral and non-polar, at codon 2078 of the COL6A3 protein (p.Val2078Met). This variant is not present in population databases (gnomAD no frequency). This variant has not been reported in the literature in individuals affected with COL6A3-related conditions. In summary, the available evidence is currently insufficient to determine the role of this variant in disease. Therefore, it has been classified as a Variant of Uncertain Significance.